The following is an entry in ClinVar:

NM_018489.3(ASH1L):c.5207C>G (p.Ala1736Gly)

Gene: ASH1L (ASH1 like histone lysine methyltransferase; minus strand). Cytogenetic location: 1q22.
Variant type: single nucleotide variant.
Coding change: c.5207C>G on transcript NM_018489.3 (MANE Select); coding-DNA position 5207, C replaced by G.
Protein change: p.Ala1736Gly; replaces alanine 1736 with glycine.
Molecular consequence: missense variant.
Genome position (GRCh38, 1-based): chr1:155,438,948, G>C on the plus strand (C>G on the coding strand, the complement: ASH1L is on the minus strand). VCF-style: chr1-155438948-G-C. GRCh37 (hg19) VCF-style: chr1-155408739-G-C.
Other names: c.5207C>G, p.Ala1736Gly (NM_001366177.2); short protein forms A1736G.
Identifiers: ClinVar variation 3381232 (VCV003381232.2).

ClinVar aggregate classification (germline): Uncertain significance (1 of 4 stars; one submission).

Conditions:
Intellectual developmental disorder, autosomal dominant 52. Also called: Mental retardation, autosomal dominant 52; Intellectual disability, autosomal dominant 52. Identifiers: MedGen C4540478, MONDO:0030918, OMIM 617796.

gnomAD v4.1: 1 of 1,614,042 alleles (0.000062%); highest among the groups gnomAD compares: Admixed American, 0.0017%; no homozygotes.

Submission:

Servicio de Genética Del Instituto Nacional de Salud Del Niño, Ministerio de Salud
Classification: Uncertain significance for Intellectual developmental disorder, autosomal dominant 52. Last evaluated: 2024-11-18. Review status: criteria provided, single submitter. Criteria: ACMG Guidelines, 2015. Collection method: clinical testing. Allele origin: germline. Inheritance: Autosomal dominant inheritance.
Comment: The variant NM_018489.3:c.5207C>G, p.Ala1736Gly results in the substitution of alanine with glycine at position 1736 in the protein. Alanine is a small, non-polar amino acid, while glycine is the smallest amino acid, which could potentially impact the protein's structure and function. According to ACMG/AMP guidelines, with evidence from PM2 and PP2, this variant is classified as uncertain significance.